The following is an entry in ClinVar:

NM_001002755.4(NFU1):c.545+11C>T

Gene: NFU1 (NFU1 iron-sulfur cluster scaffold; minus strand). Cytogenetic location: 2p13.3.
Variant type: single nucleotide variant.
Coding change: c.545+11C>T on transcript NM_001002755.4 (MANE Select); 11 bases into the intron after coding-DNA position 545, C replaced by T.
Molecular consequence: intron variant.
Genome position (GRCh38, 1-based): chr2:69,406,011, G>A on the plus strand (C>T on the coding strand, the complement: NFU1 is on the minus strand). VCF-style: chr2-69406011-G-A. GRCh37 (hg19) VCF-style: chr2-69633143-G-A.
Other names: c.473+11C>T (NM_015700.4, NM_001374284.1); c.122+11C>T (NM_001002756.2).
Identifiers: ClinVar variation 668493 (VCV000668493.5), dbSNP rs775731328, ClinGen allele CA1694137.

ClinVar aggregate classification (germline): Likely benign. Review status: criteria provided, multiple submitters, no conflicts (2 of 4 stars). 3 submissions from 3 submitters: Likely benign (3). Last evaluated 2024-07-11.

Conditions:
Multiple mitochondrial dysfunctions syndrome 1 (MMDS1). Identifiers: Orphanet 401869, MedGen C3276432, MONDO:0011582, OMIM 605711.

Allele frequency attached by ClinVar (database versions not stated): gnomAD 0.00015 and 0.00013; ExAC 0.00002; gnomAD exomes 0.00003; TOPMed 0.00014.
gnomAD v4.1: 31 of 1,561,688 alleles (0.002%); highest among the groups gnomAD compares: African/African-American, 0.041%; no homozygotes.

Submissions (3):

Labcorp Genetics (formerly Invitae), Labcorp
Classification: Likely benign for Multiple mitochondrial dysfunctions syndrome 1. Last evaluated: 2024-07-11. Review status: criteria provided, single submitter. Criteria: Invitae Variant Classification Sherloc (09022015). Collection method: clinical testing. Allele origin: germline.

Blueprint Genetics
Classification: Likely benign. Last evaluated: 2023-06-16. Review status: criteria provided, single submitter. Criteria: ACMG Guidelines, 2015. Collection method: clinical testing. Allele origin: germline.

GeneDx
Classification: Likely benign. Last evaluated: 2018-06-08. Review status: criteria provided, single submitter. Criteria: GeneDx Variant Classification (06012015). Collection method: clinical testing. Allele origin: germline. Affected: yes.
Comment: This variant is considered likely benign or benign based on one or more of the following criteria: it is a conservative change, it occurs at a poorly conserved position in the protein, it is predicted to be benign by multiple in silico algorithms, and/or has population frequency not consistent with disease.